The following is an entry in ClinVar:

NM_001605.3(AARS1):c.1600_1603del (p.Phe534fs)

Gene: AARS1 (alanyl-tRNA synthetase 1; minus strand). Cytogenetic location: 16q22.1.
Variant type: Deletion.
Coding change: c.1600_1603del on transcript NM_001605.3 (MANE Select); coding-DNA positions 1600 to 1603, 4 bases deleted (TTCT; older notation c.1600_1603delTTCT).
Protein change: p.Phe534fs; shifts the reading frame from phenylalanine 534.
Molecular consequence: frameshift variant.
Genome position (GRCh38, 1-based): chr16:70,262,414-70,262,417, AGAA deleted on the plus strand (TTCT on the coding strand, the reverse complement: AARS1 is on the minus strand); deleting any 4 consecutive bases within chr16:70,262,414-70,262,418 gives the same sequence; the c. name uses the placement nearest the transcript's 3' end. VCF-style (leftmost placement, unchanged base first): chr16-70262413-TAGAA-T. GRCh37 (hg19) VCF-style: chr16-70296316-TAGAA-T.
Other names: short protein forms F534fs.
Identifiers: ClinVar variation 2697098 (VCV002697098.3), dbSNP rs2507003569, ClinGen allele CA2697555929.

ClinVar aggregate classification (germline): Pathogenic (1 of 4 stars; one submission).

Conditions:
Charcot-Marie-Tooth disease type 2. Also called: Charcot-Marie-Tooth type 2. Identifiers: Orphanet 64746, MedGen C0270914, MONDO:0018993.

Submission:

Labcorp Genetics (formerly Invitae), Labcorp
Classification: Pathogenic for Charcot-Marie-Tooth disease type 2. Last evaluated: 2023-11-18. Review status: criteria provided, single submitter. Criteria: Invitae Variant Classification Sherloc (09022015). Collection method: clinical testing. Allele origin: germline.
Comment: This sequence change creates a premature translational stop signal (p.Phe534Metfs*15) in the AARS gene. It is expected to result in an absent or disrupted protein product. Loss-of-function variants in AARS are known to be pathogenic (PMID: 25817015, 28493438, 34446925). This variant is not present in population databases (gnomAD no frequency). This variant has not been reported in the literature in individuals affected with AARS-related conditions. For these reasons, this variant has been classified as Pathogenic.

Literature cited by the submitters: PubMed 25817015; PubMed 28493438; PubMed 34446925.